The following is an entry in ClinVar:

NM_004329.3(BMPR1A):c.1224G>T (p.Met408Ile)

Gene: BMPR1A (bone morphogenetic protein receptor type 1A; plus strand). Cytogenetic location: 10q23.2.
Variant type: single nucleotide variant.
Coding change: c.1224G>T on transcript NM_004329.3 (MANE Select); coding-DNA position 1224, G replaced by T.
Protein change: p.Met408Ile; replaces methionine 408 with isoleucine.
Molecular consequence: missense variant.
Genome position (GRCh38, 1-based): chr10:86,921,577, G>T. VCF-style: chr10-86921577-G-T. GRCh37 (hg19) VCF-style: chr10-88681334-G-T.
Other names: c.1224G>T, p.Met408Ile (NM_001406568.1, NM_001406569.1, NM_001406570.1 and 19 more transcripts); c.1299G>T, p.Met433Ile (NM_001406559.1); c.1272G>T, p.Met424Ile (NM_001406560.1); c.1218G>T, p.Met406Ile (NM_001406583.1); c.1140G>T, p.Met380Ile (NM_001406584.1, NM_001406585.1, NM_001406586.1 and 2 more transcripts); c.882G>T, p.Met294Ile (NM_001406589.1); short protein forms M294I, M380I, M406I, M424I, M408I, M433I.
Identifiers: ClinVar variation 2105152 (VCV002105152.4), dbSNP rs2133606669, ClinGen allele CA377462013.

ClinVar aggregate classification (germline): Uncertain significance (1 of 4 stars; one submission).

Conditions:
Juvenile polyposis syndrome (JPS). Identifiers: Orphanet 2929, MedGen C0345893, MONDO:0017380, OMIM 174900.

Submission:

Labcorp Genetics (formerly Invitae), Labcorp
Classification: Uncertain significance for Juvenile polyposis syndrome. Last evaluated: 2022-03-01. Review status: criteria provided, single submitter. Criteria: Invitae Variant Classification Sherloc (09022015). Collection method: clinical testing. Allele origin: germline.
Comment: In summary, the available evidence is currently insufficient to determine the role of this variant in disease. Therefore, it has been classified as a Variant of Uncertain Significance. Advanced modeling of protein sequence and biophysical properties (such as structural, functional, and spatial information, amino acid conservation, physicochemical variation, residue mobility, and thermodynamic stability) performed at Invitae indicates that this missense variant is expected to disrupt BMPR1A protein function. This variant has not been reported in the literature in individuals affected with BMPR1A-related conditions. This variant is not present in population databases (gnomAD no frequency). This sequence change replaces methionine, which is neutral and non-polar, with isoleucine, which is neutral and non-polar, at codon 408 of the BMPR1A protein (p.Met408Ile).